The following is an entry in ClinVar:

NM_004958.4(MTOR):c.6920G>A (p.Ser2307Asn)

Gene: MTOR (mechanistic target of rapamycin kinase; minus strand). Cytogenetic location: 1p36.22.
Variant type: single nucleotide variant.
Coding change: c.6920G>A on transcript NM_004958.4 (MANE Select); coding-DNA position 6920, G replaced by A.
Protein change: p.Ser2307Asn; replaces serine 2307 with asparagine.
Molecular consequence: missense variant.
Genome position (GRCh38, 1-based): chr1:11,121,259, C>T on the plus strand (G>A on the coding strand, the complement: MTOR is on the minus strand). VCF-style: chr1-11121259-C-T. GRCh37 (hg19) VCF-style: chr1-11181316-C-T.
Other names: c.6920G>A, p.Ser2307Asn (NM_001386500.1); c.5672G>A, p.Ser1891Asn (NM_001386501.1); short protein forms S2307N, S1891N.
Identifiers: ClinVar variation 1970905 (VCV001970905.5), dbSNP rs1642510024, ClinGen allele CA338384883.
Genomic context (GRCh38, chr1:11,121,259, plus strand): 5'-AGTGGGGGTTCCAGGAGAGCGCAGGTCTGCAGGGCCCAGTGGCCTACCTCGGAGCTGGGG[C>T]TTTTCAGCCACAGCAGCTTGGCCAGGTCGTCCCCAGCTGTATTATTGACGGCATGCTCAA-3'
Protein context (NP_004949.1, residues 2297-2317): DDLAKLLWLK[Ser2307Asn]PSSEVWFDRR

ClinVar aggregate classification (germline): Uncertain significance (1 of 4 stars; one submission).

Allele frequency attached by ClinVar (database versions not stated): gnomAD 0.00001.
gnomAD v4.1: 1 of 1,613,462 alleles (0.000062%); highest among the groups gnomAD compares: African/African-American, 0.0013%; no homozygotes.

Submission:

Labcorp Genetics (formerly Invitae), Labcorp
Classification: Uncertain significance. Last evaluated: 2022-07-20. Review status: criteria provided, single submitter. Criteria: Invitae Variant Classification Sherloc (09022015). Collection method: clinical testing. Allele origin: germline.
Comment: In summary, the available evidence is currently insufficient to determine the role of this variant in disease. Therefore, it has been classified as a Variant of Uncertain Significance. Advanced modeling of protein sequence and biophysical properties (such as structural, functional, and spatial information, amino acid conservation, physicochemical variation, residue mobility, and thermodynamic stability) performed at Invitae indicates that this missense variant is expected to disrupt MTOR protein function. This variant has not been reported in the literature in individuals affected with MTOR-related conditions. This variant is not present in population databases (gnomAD no frequency). This sequence change replaces serine, which is neutral and polar, with asparagine, which is neutral and polar, at codon 2307 of the MTOR protein (p.Ser2307Asn).